The following is an entry in ClinVar:

NM_020297.4(ABCC9):c.1841T>C (p.Ile614Thr)

Gene: ABCC9 (ATP binding cassette subfamily C member 9; minus strand). Cytogenetic location: 12p12.1.
Variant type: single nucleotide variant.
Coding change: c.1841T>C on transcript NM_020297.4 (MANE Select); coding-DNA position 1841, T replaced by C.
Protein change: p.Ile614Thr; replaces isoleucine 614 with threonine.
Molecular consequence: missense variant.
Genome position (GRCh38, 1-based): chr12:21,887,896, A>G on the plus strand (T>C on the coding strand, the complement: ABCC9 is on the minus strand). VCF-style: chr12-21887896-A-G. GRCh37 (hg19) VCF-style: chr12-22040830-A-G.
Other names: c.1841T>C, p.Ile614Thr (NM_001377273.1, NM_005691.4); c.977T>C, p.Ile326Thr (NM_001377274.1); c.1841T>C (NM_005691.2); short protein forms I326T, I614T.
Identifiers: ClinVar variation 1329316 (VCV001329316.4), dbSNP rs1946960010, ClinGen allele CA384135904.

ClinVar aggregate classification (germline): Uncertain significance. Review status: criteria provided, multiple submitters, no conflicts (2 of 4 stars). 2 submissions from 2 submitters: Uncertain significance (2). Last evaluated 2021-01-05.

Conditions:
Cardiomyopathy (CMYO). Also called: Cardiomyopathies. Identifiers: Orphanet 167848, MedGen C0878544, MONDO:0004994, HP:0001638. Inheritance: Various modes of inheritance.
Cardiovascular phenotype. Identifiers: MedGen CN230736.

gnomAD v4.1: 4 of 1,613,480 alleles (0.00025%); highest among the groups gnomAD compares: Non-Finnish European, 0.00034%; no homozygotes.

Submissions (2):

Ambry Genetics
Classification: Uncertain significance for Cardiovascular phenotype. Last evaluated: 2021-01-05. Review status: criteria provided, single submitter. Criteria: Ambry Variant Classification Scheme 2023. Collection method: clinical testing. Allele origin: germline.
Comment: The c.1841T>C (p.I614T) alteration is located in exon 13 (coding exon 13) of the ABCC9 gene. This alteration results from a T to C substitution at nucleotide position 1841, causing the isoleucine (I) at amino acid position 614 to be replaced by a threonine (T). The p.I614T alteration is predicted to be deleterious by in silico analysis. Based on insufficient or conflicting evidence, the clinical significance of this alteration remains unclear.

CHEO Genetics Diagnostic Laboratory, Children's Hospital of Eastern Ontario
Classification: Uncertain significance for Cardiomyopathy. Last evaluated: 2019-09-12. Review status: criteria provided, single submitter. Criteria: ACMG Guidelines, 2015. Collection method: clinical testing. Allele origin: germline.